The following is an entry in ClinVar:

NM_000257.4(MYH7):c.2803G>A (p.Glu935Lys)

Gene: MYH7 (myosin heavy chain 7; minus strand). Cytogenetic location: 14q11.2.
Variant type: single nucleotide variant.
Coding change: c.2803G>A on transcript NM_000257.4 (MANE Select); coding-DNA position 2803, G replaced by A.
Protein change: p.Glu935Lys; replaces glutamic acid 935 with lysine.
Molecular consequence: missense variant.
Genome position (GRCh38, 1-based): chr14:23,424,026, C>T on the plus strand (G>A on the coding strand, the complement: MYH7 is on the minus strand). VCF-style: chr14-23424026-C-T. GRCh37 (hg19) VCF-style: chr14-23893235-C-T.
Other names: c.2803G>A, p.Glu935Lys (LRG_384t1); short protein forms E935K.
Identifiers: ClinVar variation 14106 (VCV000014106.8), dbSNP rs121913639, ClinGen allele CA013118.
Genomic context (GRCh38, chr14:23,424,026, plus strand): 5'-CGATGTCCCTTTTGAGCTCTGAGCACTCATCTTCCAGCTTGCGCTTCTTGGCAGTGAGCT[C>T]AGCATTCATCTCCTCCTCATCCTCCAGCCTCTCGTTCATCTCCTTCACCTTGGCCTCCAG-3'
Protein context (NP_000248.2, residues 925-945): RLEDEEEMNA[Glu935Lys]LTAKKRKLED

ClinVar aggregate classification (germline): Pathogenic. Review status: criteria provided, single submitter (1 of 4 stars). 2 submissions from 2 submitters: Pathogenic (1). 1 of the submissions does not count toward it. Last evaluated 2025-01-15.

Conditions:
Hypertrophic cardiomyopathy 1 (CMH1). Also called: Familial hypertrophic cardiomyopathy 1; MYH7-Related Familial Hypertrophic Cardiomyopathy. Identifiers: MedGen C3495498, MONDO:0008647, OMIM 192600.
Hypertrophic cardiomyopathy. Also called: HYPERTROPHIC MYOCARDIOPATHY. Identifiers: Orphanet 217569, MedGen C0007194, MeSH D002312, MONDO:0005045, HP:0001639.

Allele frequency attached by ClinVar (database versions not stated): gnomAD exomes 0.00001.
gnomAD v4.1: 4 of 1,614,256 alleles (0.00025%); highest among the groups gnomAD compares: East Asian, 0.0089%; no homozygotes.

Submissions (2):

Labcorp Genetics (formerly Invitae), Labcorp
Classification: Pathogenic for Hypertrophic cardiomyopathy. Last evaluated: 2025-01-15. Review status: criteria provided, single submitter. Criteria: Invitae Variant Classification Sherloc (09022015). Collection method: clinical testing. Allele origin: germline.
Comment: This sequence change replaces glutamic acid, which is acidic and polar, with lysine, which is basic and polar, at codon 935 of the MYH7 protein (p.Glu935Lys). This variant is not present in population databases (gnomAD no frequency). This missense change has been observed in individuals with autosomal dominant hypertrophic cardiomyopathy (PMID: 7909436, 20975235, 24111713, 26178432, 29398688; internal data). ClinVar contains an entry for this variant (Variation ID: 14106). Invitae Evidence Modeling of protein sequence and biophysical properties (such as structural, functional, and spatial information, amino acid conservation, physicochemical variation, residue mobility, and thermodynamic stability) indicates that this missense variant is expected to disrupt MYH7 protein function with a positive predictive value of 95%. For these reasons, this variant has been classified as Pathogenic.

OMIM
Classification: Pathogenic for CARDIOMYOPATHY, FAMILIAL HYPERTROPHIC, 1. Last evaluated: 1994-04-15. Review status: no assertion criteria provided. Collection method: literature only. Allele origin: germline. Not counted in ClinVar's aggregate classification.

Literature cited by the submitters: PubMed 7909436 (cited by Labcorp Genetics (formerly Invitae), Labcorp and OMIM); PubMed 20975235 (cited by Labcorp Genetics (formerly Invitae), Labcorp); PubMed 24111713 (cited by Labcorp Genetics (formerly Invitae), Labcorp); PubMed 26178432 (cited by Labcorp Genetics (formerly Invitae), Labcorp); PubMed 29398688 (cited by Labcorp Genetics (formerly Invitae), Labcorp).